The following is an entry in ClinVar:

ClinVar aggregate classification (germline): Benign (1 of 4 stars; one submission).

gnomAD v4.1: 2,233 of 1,605,362 alleles (0.14%); highest among the groups gnomAD compares: Admixed American, 2.3%; 35 homozygotes.

Submission:

Mayo Clinic Laboratories, Mayo Clinic
Classification: Benign. Last evaluated: 2022-09-28. Review status: criteria provided, single submitter. Criteria: ACMG Guidelines, 2015. Collection method: clinical testing. Allele origin: germline. Observed: 5 variant alleles.
Comment: BS1, BS2, BP4

NM_014023.4(WDR37):c.229T>A (p.Leu77Ile)

Gene: WDR37 (WD repeat domain 37; plus strand). Cytogenetic location: 10p15.3.
Variant type: single nucleotide variant.
Coding change: c.229T>A on transcript NM_014023.4 (MANE Select); coding-DNA position 229, T replaced by A.
Protein change: p.Leu77Ile; replaces leucine 77 with isoleucine.
Molecular consequence: missense variant.
Genome position (GRCh38, 1-based): chr10:1,077,997, T>A. VCF-style: chr10-1077997-T-A. GRCh37 (hg19) VCF-style: chr10-1123937-T-A.
Other names: p.Leu77Ile; short protein forms L77I.
Identifiers: ClinVar variation 4683478 (VCV004683478.1).
Genomic context (GRCh38, chr10:1,077,997, plus strand): 5'-ACACTTCTGGAACTGTTTGGTCAAATAGAAAGAGAATTTGAAAACCTTTATATCGAAAAC[T>A]TAGAATGTGAGTATCTCCTATTTTAATATACTTTTATAGCTTTACCTATCCATAGTCAAA-3'
Protein context (NP_054742.2, residues 67-87): REFENLYIEN[Leu77Ile]ELRREIDTLN